The following is an entry in ClinVar:

ClinVar aggregate classification (germline): Pathogenic (1 of 4 stars; one submission).

Submission:

Labcorp Genetics (formerly Invitae), Labcorp
Classification: Pathogenic. Last evaluated: 2023-12-01. Review status: criteria provided, single submitter. Criteria: Invitae Variant Classification Sherloc (09022015). Collection method: clinical testing. Allele origin: unknown.
Comment: This variant is a gross deletion of the genomic region encompassing exon(s) 1 of the TK2 gene, which includes the initiator codon. This deletion extends beyond the assayed region for this gene and therefore may encompass additional genes. It is expected to result in an absent or disrupted protein product. Loss-of-function variants in TK2 are known to be pathogenic (PMID: 20421844). This variant has not been reported in the literature in individuals affected with TK2-related conditions. For these reasons, this variant has been classified as Pathogenic.

Literature cited by the submitters: PubMed 20421844.

NC_000016.9:g.(?_66583821)_(66583964_?)del

Gene: TK2 (thymidine kinase 2; minus strand). Cytogenetic location: 16q21.
Variant type: Deletion.
Identifiers: ClinVar variation 3243639 (VCV003243639.1).